The following is an entry in ClinVar:

ClinVar aggregate classification (germline): Pathogenic (1 of 4 stars; one submission).

Conditions:
NF1-related disorder. Also called: NF1-related condition. Identifiers: MedGen CN379171.

Submission:

PreventionGenetics, part of Exact Sciences
Classification: Pathogenic for NF1-related condition. Last evaluated: 2023-05-17. Review status: criteria provided, single submitter. Criteria: ACMG Guidelines, 2015. Collection method: clinical testing. Allele origin: germline.
Comment: The NF1 c.984T>A variant is predicted to result in premature protein termination (p.Cys328*). To our knowledge, this variant has not been reported in the literature or in a large population database, indicating this variant is rare. Nonsense variants in NF1 are expected to be pathogenic. This variant is interpreted as pathogenic.

NM_001042492.3(NF1):c.984T>A (p.Cys328Ter)

Gene: NF1 (neurofibromin 1; plus strand). Cytogenetic location: 17q11.2.
Variant type: single nucleotide variant.
Coding change: c.984T>A on transcript NM_001042492.3 (MANE Select); coding-DNA position 984, T replaced by A.
Protein change: p.Cys328Ter; replaces cysteine 328 with a stop codon.
Molecular consequence: nonsense.
Genome position (GRCh38, 1-based): chr17:31,200,517, T>A. VCF-style: chr17-31200517-T-A. GRCh37 (hg19) VCF-style: chr17-29527535-T-A.
Other names: c.984T>A, p.Cys328Ter (NM_000267.4, NM_001128147.3); short protein forms C328*.
Identifiers: ClinVar variation 2633754 (VCV002633754.1), dbSNP rs2143873387, ClinGen allele CA398996091.